The following is an entry in ClinVar:

ClinVar aggregate classification (germline): Uncertain significance (1 of 4 stars; one submission).

gnomAD v4.1: 1 of 1,611,536 alleles (0.000062%); highest among the groups gnomAD compares: African/African-American, 0.0013%; no homozygotes.

Submission:

Labcorp Genetics (formerly Invitae), Labcorp
Classification: Uncertain significance. Last evaluated: 2023-08-24. Review status: criteria provided, single submitter. Criteria: Invitae Variant Classification Sherloc (09022015). Collection method: clinical testing. Allele origin: germline.
Comment: This sequence change replaces glycine, which is neutral and non-polar, with arginine, which is basic and polar, at codon 80 of the COL9A3 protein (p.Gly80Arg). In summary, the available evidence is currently insufficient to determine the role of this variant in disease. Therefore, it has been classified as a Variant of Uncertain Significance. Advanced modeling of protein sequence and biophysical properties (such as structural, functional, and spatial information, amino acid conservation, physicochemical variation, residue mobility, and thermodynamic stability) performed at Invitae indicates that this missense variant is expected to disrupt COL9A3 protein function. This variant has not been reported in the literature in individuals affected with COL9A3-related conditions. This variant is present in population databases (no rsID available, gnomAD 0.007%).

NM_001853.4(COL9A3):c.238G>C (p.Gly80Arg)

Gene: COL9A3 (collagen type IX alpha 3 chain; plus strand). Cytogenetic location: 20q13.33.
Variant type: single nucleotide variant.
Coding change: c.238G>C on transcript NM_001853.4 (MANE Select); coding-DNA position 238, G replaced by C.
Protein change: p.Gly80Arg; replaces glycine 80 with arginine.
Molecular consequence: missense variant.
Genome position (GRCh38, 1-based): chr20:62,819,276, G>C. VCF-style: chr20-62819276-G-C. GRCh37 (hg19) VCF-style: chr20-61450628-G-C.
Other names: short protein forms G80R.
Identifiers: ClinVar variation 2754930 (VCV002754930.3), dbSNP rs1487270990, ClinGen allele CA409587590.